The following is an entry in ClinVar:

ClinVar aggregate classification (germline): Conflicting classifications of pathogenicity. Review status: criteria provided, conflicting classifications (1 of 4 stars). 4 submissions from 3 submitters: Uncertain significance (1); Benign (1); Likely benign (2). Last evaluated 2026-01-31.

Conditions:
Leigh syndrome (NULS). Also called: LEIGH SYNDROME, NUCLEAR; Leigh Disease; Leigh's necrotizing encephalopathy; Leigh's disease; Leigh Syndrome (mtDNA deletion); Subacute necrotizing encephalopathy. Identifiers: Orphanet 506, MedGen C2931891, MONDO:0009723, OMIM 256000.
Mitochondrial complex I deficiency, nuclear type 1. Also called: NADH-COENZYME Q REDUCTASE DEFICIENCY; MITOCHONDRIAL NADH DEHYDROGENASE COMPONENT OF COMPLEX I, DEFICIENCY OF. Identifiers: MedGen C6022305, MONDO:0100224, OMIM 252010.

Allele frequency attached by ClinVar (database versions not stated): gnomAD 0.00048; TOPMed 0.00049; 1000 Genomes Project 30x 0.00125; 1000 Genomes Project 0.00140.
gnomAD v4.1: 300 of 1,614,240 alleles (0.019%); highest among the groups gnomAD compares: East Asian, 0.58%; no homozygotes.

Submissions (4):

Labcorp Genetics (formerly Invitae), Labcorp
Classification: Likely benign. Last evaluated: 2026-01-31. Review status: criteria provided, single submitter. Criteria: Invitae Variant Classification Sherloc (09022015). Collection method: clinical testing. Allele origin: germline.

Illumina Laboratory Services, Illumina
Classification: Likely benign for Leigh syndrome. Last evaluated: 2017-04-27. Review status: criteria provided, single submitter. Criteria: ICSL Variant Classification Criteria 13 December 2019. Collection method: clinical testing. Allele origin: germline.
Comment: This variant was observed as part of a predisposition screen in an ostensibly healthy population. A literature search was performed for the gene, cDNA change, and amino acid change (where applicable). No publications were found based on this search. Allele frequency data from public databases allowed determination this variant is unlikely to cause disease. Therefore, this variant is classified as likely benign.

Illumina Laboratory Services, Illumina
Classification: Uncertain significance for Mitochondrial complex I deficiency, nuclear type 1. Last evaluated: 2017-04-27. Review status: criteria provided, single submitter. Criteria: ICSL Variant Classification Criteria 13 December 2019. Collection method: clinical testing. Allele origin: germline.

Eurofins Ntd Llc (ga)
Classification: Benign. Last evaluated: 2015-06-24. Review status: criteria provided, single submitter. Criteria: EGL Classification Definitions 2015. Collection method: clinical testing. Allele origin: germline. Observed: 1 variant allele, 1 heterozygote.

NM_002495.4(NDUFS4):c.10G>C (p.Val4Leu)

Genes: NDUFS4 (NADH:ubiquinone oxidoreductase subunit S4; plus strand), LOC129993885 (ATAC-STARR-seq lymphoblastoid active region 22547; plus strand). Cytogenetic location: 5q11.2.
Variant type: single nucleotide variant.
Coding change: c.10G>C on transcript NM_002495.4 (MANE Select); coding-DNA position 10, G replaced by C.
Protein change: p.Val4Leu; replaces valine 4 with leucine.
Molecular consequence: missense variant. On other transcripts: non-coding transcript variant (3).
Genome position (GRCh38, 1-based): chr5:53,560,672, G>C. VCF-style: chr5-53560672-G-C. GRCh37 (hg19) VCF-style: chr5-52856502-G-C.
Other names: c.10G>C, p.Val4Leu (NM_001318051.2); short protein forms V4L.
Identifiers: ClinVar variation 214810 (VCV000214810.17), dbSNP rs185711494, ClinGen allele CA325091.